The following is an entry in ClinVar:

ClinVar aggregate classification (germline): Uncertain significance (1 of 4 stars; one submission).

Allele frequency attached by ClinVar (database versions not stated): gnomAD exomes below 0.00001.
gnomAD v4.1: 2 of 1,610,764 alleles (0.00012%); highest among the groups gnomAD compares: Non-Finnish European, 0.00017%; no homozygotes.

Submission:

CeGaT Center for Human Genetics Tuebingen
Classification: Uncertain significance. Last evaluated: 2023-08-01. Review status: criteria provided, single submitter. Criteria: CeGaT Center For Human Genetics Tuebingen Variant Classification Criteria Version 2. Collection method: clinical testing. Allele origin: germline. Affected: yes. Observed: 1 variant allele.
Comment: SIGLEC1: PM2, BP4

NM_023068.4(SIGLEC1):c.1918G>A (p.Asp640Asn)

Gene: SIGLEC1 (sialic acid binding Ig like lectin 1; minus strand). Cytogenetic location: 20p13.
Variant type: single nucleotide variant.
Coding change: c.1918G>A on transcript NM_023068.4 (MANE Select); coding-DNA position 1918, G replaced by A.
Protein change: p.Asp640Asn; replaces aspartic acid 640 with asparagine.
Molecular consequence: missense variant.
Genome position (GRCh38, 1-based): chr20:3,698,002, C>T on the plus strand (G>A on the coding strand, the complement: SIGLEC1 is on the minus strand). VCF-style: chr20-3698002-C-T. GRCh37 (hg19) VCF-style: chr20-3678649-C-T.
Other names: c.1918G>A, p.Asp640Asn (NM_001367089.1); short protein forms D640N.
Identifiers: ClinVar variation 2652185 (VCV002652185.24), dbSNP rs749370161, ClinGen allele CA408110720.